The following is an entry in ClinVar:

ClinVar aggregate classification (germline): Uncertain significance. Review status: criteria provided, multiple submitters, no conflicts (2 of 4 stars). 2 submissions from 2 submitters: Uncertain significance (2). Last evaluated 2025-02-24.

Conditions:
Hereditary cancer-predisposing syndrome. Also called: Tumor predisposition; Hereditary Cancer Syndrome; Neoplastic Syndromes, Hereditary; Hereditary neoplastic syndrome. Identifiers: Orphanet 140162, MedGen C0027672, MeSH D009386, MONDO:0015356.
Cardiovascular phenotype. Identifiers: MedGen CN230736.
Neurofibromatosis, type 1 (NF1). Also called: VON RECKLINGHAUSEN DISEASE; Neurofibromatosis, type I; NEUROFIBROMATOSIS, TYPE I, SOMATIC; Peripheral type neurofibromatosis. Identifiers: Orphanet 636, MedGen C0027831, MONDO:0018975, OMIM 162200. Disease mechanism: loss of function.

Allele frequency attached by ClinVar (database versions not stated): gnomAD exomes below 0.00001.
gnomAD v4.1: 5 of 1,613,208 alleles (0.00031%); highest among the groups gnomAD compares: Non-Finnish European, 0.00042%; no homozygotes.

Submissions (2):

Labcorp Genetics (formerly Invitae), Labcorp
Classification: Uncertain significance for Neurofibromatosis, type 1. Last evaluated: 2025-02-24. Review status: criteria provided, single submitter. Criteria: Invitae Variant Classification Sherloc (09022015). Collection method: clinical testing. Allele origin: germline.
Comment: This sequence change replaces arginine, which is basic and polar, with tryptophan, which is neutral and slightly polar, at codon 2692 of the NF1 protein (p.Arg2692Trp). This variant is not present in population databases (gnomAD no frequency). This variant has not been reported in the literature in individuals affected with NF1-related conditions. ClinVar contains an entry for this variant (Variation ID: 1018686). Invitae Evidence Modeling of protein sequence and biophysical properties (such as structural, functional, and spatial information, amino acid conservation, physicochemical variation, residue mobility, and thermodynamic stability) has been performed for this missense variant. However, the output from this modeling did not meet the statistical confidence thresholds required to predict the impact of this variant on NF1 protein function. In summary, the available evidence is currently insufficient to determine the role of this variant in disease. Therefore, it has been classified as a Variant of Uncertain Significance.

Ambry Genetics
Classification: Uncertain significance for Cardiovascular phenotype; Hereditary cancer-predisposing syndrome. Last evaluated: 2024-03-01. Review status: criteria provided, single submitter. Criteria: Ambry Variant Classification Scheme 2023. Collection method: clinical testing. Allele origin: germline.
Comment: The p.R2692W variant (also known as c.8074C>T), located in coding exon 55 of the NF1 gene, results from a C to T substitution at nucleotide position 8074. The arginine at codon 2692 is replaced by tryptophan, an amino acid with dissimilar properties. This amino acid position is conserved. In addition, the in silico prediction for this alteration is inconclusive. Since supporting evidence is limited at this time, the clinical significance of this alteration remains unclear.

NM_001042492.3(NF1):c.8137C>T (p.Arg2713Trp)

Gene: NF1 (neurofibromin 1; plus strand). Cytogenetic location: 17q11.2.
Variant type: single nucleotide variant.
Coding change: c.8137C>T on transcript NM_001042492.3 (MANE Select); coding-DNA position 8137, C replaced by T.
Protein change: p.Arg2713Trp; replaces arginine 2713 with tryptophan.
Molecular consequence: missense variant.
Genome position (GRCh38, 1-based): chr17:31,358,992, C>T. VCF-style: chr17-31358992-C-T. GRCh37 (hg19) VCF-style: chr17-29686010-C-T.
Other names: c.8074C>T, p.Arg2692Trp (NM_000267.4); short protein forms R2692W, R2713W.
Identifiers: ClinVar variation 1018686 (VCV001018686.7), dbSNP rs757391670, ClinGen allele CA8487756.